The following is an entry in ClinVar:

ClinVar aggregate classification (germline): Benign. Review status: criteria provided, multiple submitters, no conflicts (2 of 4 stars). 3 submissions from 2 submitters: Benign (3). Last evaluated 2022-11-01.

Conditions:
Chondrocalcinosis 2. Also called: Familial calcium pyrophosphate deposition; CALCIUM GOUT; CALCIUM PYROPHOSPHATE ARTHROPATHY. Identifiers: Orphanet 1416, MedGen C0856830, MONDO:0007319, OMIM 118600.
Craniometaphyseal dysplasia, autosomal dominant (CMDD). Identifiers: Orphanet 1522, MedGen C1852502, MONDO:0007397, OMIM 123000.

Allele frequency attached by ClinVar (database versions not stated): 1000 Genomes Project 0.00120; 1000 Genomes Project 30x 0.00141; TOPMed 0.00175; gnomAD 0.00263 and 0.00267.

Submissions (3):

CeGaT Center for Human Genetics Tuebingen
Classification: Benign. Last evaluated: 2022-11-01. Review status: criteria provided, single submitter. Criteria: CeGaT Center For Human Genetics Tuebingen Variant Classification Criteria Version 2. Collection method: clinical testing. Allele origin: germline. Affected: yes. Observed: 5 variant alleles.
Comment: ANKH: BS1, BS2

Illumina Laboratory Services, Illumina
Classification: Benign for Craniometaphyseal dysplasia, autosomal dominant. Last evaluated: 2018-01-13. Review status: criteria provided, single submitter. Criteria: ICSL Variant Classification Criteria 13 December 2019. Collection method: clinical testing. Allele origin: germline.
Comment: This variant was observed in the ICSL laboratory as part of a predisposition screen in an ostensibly healthy population. It had not been previously curated by ICSL or reported in the Human Gene Mutation Database (HGMD: prior to June 1st, 2018), and was therefore a candidate for classification through an automated scoring system. Utilizing variant allele frequency, disease prevalence and penetrance estimates, and inheritance mode, an automated score was calculated to assess if this variant is too frequent to cause the disease. Based on the score and internal cut-off values, a variant classified as benign is not then subjected to further curation. The score for this variant resulted in a classification of benign for this disease.

Illumina Laboratory Services, Illumina
Classification: Benign for Chondrocalcinosis 2. Last evaluated: 2018-01-13. Review status: criteria provided, single submitter. Criteria: ICSL Variant Classification Criteria 13 December 2019. Collection method: clinical testing. Allele origin: germline.
Comment: the same text as in the submission from Illumina Laboratory Services, Illumina above.

NM_054027.6(ANKH):c.*831T>C

Genes: OTULIN (OTU deubiquitinase with linear linkage specificity; plus strand), ANKH (ANKH inorganic pyrophosphate transport regulator; minus strand). Cytogenetic location: 5p15.2.
Variant type: single nucleotide variant.
Coding change: c.*831T>C on transcript NM_054027.6 (MANE Select); 831 bases downstream of the stop codon, T replaced by C.
Molecular consequence: 3 prime UTR variant.
Genome position (GRCh38, 1-based): chr5:14,710,366, A>G on the plus strand (T>C on the coding strand, the complement: ANKH is on the minus strand). VCF-style: chr5-14710366-A-G. GRCh37 (hg19) VCF-style: chr5-14710475-A-G.
Identifiers: ClinVar variation 351479 (VCV000351479.36), dbSNP rs182130104, ClinGen allele CA10620512.
Genomic context (GRCh38, chr5:14,710,366, plus strand): 5'-CATGTGACTCGCTCTAATGCGACCTTCAGGAAAGGCGAGGGAAAAGCAAGCCTTCAGGAA[A>G]AGTCATGCGGCAGGGTCTGGAATCTGGAGATGCGCTTTTGTGACAATTTAAAAAAGTTAG-3'